The following is an entry in ClinVar:

NM_152564.5(VPS13B):c.7945T>G (p.Leu2649Val)

Gene: VPS13B (vacuolar protein sorting 13 homolog B; plus strand). Cytogenetic location: 8q22.2.
Variant type: single nucleotide variant.
Coding change: c.7945T>G on transcript NM_152564.5 (MANE Select); coding-DNA position 7945, T replaced by G.
Protein change: p.Leu2649Val; replaces leucine 2649 with valine.
Molecular consequence: missense variant.
Genome position (GRCh38, 1-based): chr8:99,809,378, T>G. VCF-style: chr8-99809378-T-G. GRCh37 (hg19) VCF-style: chr8-100821606-T-G.
Other names: c.8020T>G, p.Leu2674Val (NM_017890.5); c.8020T>G (NM_017890.3); short protein forms L2649V, L2674V.
Identifiers: ClinVar variation 1356830 (VCV001356830.4), dbSNP rs533426135, ClinGen allele CA182322268.

ClinVar aggregate classification (germline): Uncertain significance. Review status: criteria provided, multiple submitters, no conflicts (2 of 4 stars). 2 submissions from 2 submitters: Uncertain significance (2). Last evaluated 2022-02-11.

Conditions:
Inborn genetic diseases. Identifiers: MedGen C0950123, MeSH D030342.
Cohen syndrome (COH1). Also called: PEPPER SYNDROME; Cutis verticis gyrata, retinitis pigmentosa, and sensorineural deafness. Identifiers: Orphanet 193, MedGen C0265223, MONDO:0008999, OMIM 216550.

Allele frequency attached by ClinVar (database versions not stated): TOPMed below 0.00001; gnomAD 0.00001; gnomAD exomes 0.00001.
gnomAD v4.1: 10 of 1,613,900 alleles (0.00062%); highest among the groups gnomAD compares: Non-Finnish European, 0.00076%; no homozygotes.

Submissions (2):

Ambry Genetics
Classification: Uncertain significance for Inborn genetic diseases. Last evaluated: 2022-02-11. Review status: criteria provided, single submitter. Criteria: Ambry Variant Classification Scheme 2023. Collection method: clinical testing. Allele origin: germline.

Labcorp Genetics (formerly Invitae), Labcorp
Classification: Uncertain significance for Cohen syndrome. Last evaluated: 2022-01-11. Review status: criteria provided, single submitter. Criteria: Invitae Variant Classification Sherloc (09022015). Collection method: clinical testing. Allele origin: germline.
Comment: This sequence change replaces leucine, which is neutral and non-polar, with valine, which is neutral and non-polar, at codon 2674 of the VPS13B protein (p.Leu2674Val). This variant is not present in population databases (gnomAD no frequency). This variant has not been reported in the literature in individuals affected with VPS13B-related conditions. Algorithms developed to predict the effect of missense changes on protein structure and function are either unavailable or do not agree on the potential impact of this missense change (SIFT: "Not Available"; PolyPhen-2: "Possibly Damaging"; Align-GVGD: "Not Available"). Algorithms developed to predict the effect of sequence changes on RNA splicing suggest that this variant may create or strengthen a splice site. In summary, the available evidence is currently insufficient to determine the role of this variant in disease. Therefore, it has been classified as a Variant of Uncertain Significance.